The following is an entry in ClinVar:

NM_000379.4(XDH):c.627G>A (p.Glu209=)

Gene: XDH (xanthine dehydrogenase; minus strand). Cytogenetic location: 2p23.1.
Variant type: single nucleotide variant.
Coding change: c.627G>A on transcript NM_000379.4 (MANE Select); coding-DNA position 627, G replaced by A.
Protein change: p.Glu209=; no amino-acid change (glutamic acid 209 retained).
Molecular consequence: synonymous variant.
Genome position (GRCh38, 1-based): chr2:31,387,835, C>T on the plus strand (G>A on the coding strand, the complement: XDH is on the minus strand). VCF-style: chr2-31387835-C-T. GRCh37 (hg19) VCF-style: chr2-31610701-C-T.
Other names: p.Glu209=.
Identifiers: ClinVar variation 335795 (VCV000335795.20), dbSNP rs45575032, ClinGen allele CA1599555.
Genomic context (GRCh38, chr2:31,387,835, plus strand): 5'-AGACCCGGCTGGATCTGTCCCTGAGGCATCACCTACCAGCAACTCTGGGGGAAAAATGGG[C>T]TCCTGGGTTGGATCCAGGGGCGTGAACTCCTCTGGTTTGAATAAAGATGGCGAGAGGCTG-3'
Protein context (NP_000370.2, residues 199-219): EEFTPLDPTQ[Glu209=]PIFPPELLRL

ClinVar aggregate classification (germline): Benign/Likely benign. Review status: criteria provided, multiple submitters, no conflicts (2 of 4 stars). 7 submissions from 7 submitters: Benign (6); Likely benign (1). Last evaluated 2026-01-27.

Conditions:
Xanthinuria type II. Also called: Xanthine dehydrogenase and aldehyde oxidase combined deficiency of; XDH and AOX dual deficiency. Identifiers: Orphanet 3467, Orphanet 93602, MedGen C1863688, MONDO:0011346, OMIM 603592.
Hereditary xanthinuria type 1 (XAN1). Identifiers: Orphanet 3467, Orphanet 93601, MedGen C0268118, MONDO:0010209, OMIM 278300.

Allele frequency attached by ClinVar (database versions not stated): ESP Exome Variant Server 0.02185; TOPMed 0.02413; gnomAD exomes 0.02778; 1000 Genomes Project 30x 0.03919; 1000 Genomes Project 0.04034; ExAC 0.05434.
gnomAD v4.1: 43,825 of 1,586,178 alleles (2.8%); highest among the groups gnomAD compares: East Asian, 5.8%; 778 homozygotes.

Submissions (7):

Labcorp Genetics (formerly Invitae), Labcorp
Classification: Benign for Xanthinuria type II. Last evaluated: 2026-01-27. Review status: criteria provided, single submitter. Criteria: Invitae Variant Classification Sherloc (09022015). Collection method: clinical testing. Allele origin: germline.

Blueprint Genetics
Classification: Likely benign. Last evaluated: 2024-11-26. Review status: criteria provided, single submitter. Criteria: ACMG Guidelines, 2015. Collection method: clinical testing. Allele origin: germline.

Mayo Clinic Laboratories, Mayo Clinic
Classification: Benign. Last evaluated: 2022-03-09. Review status: criteria provided, single submitter. Criteria: ACMG Guidelines, 2015. Collection method: clinical testing. Allele origin: germline. Observed: 11 variant alleles.

Genome-Nilou Lab
Classification: Benign for Hereditary xanthinuria type 1. Last evaluated: 2021-12-05. Review status: criteria provided, single submitter. Criteria: ACMG Guidelines, 2015. Collection method: clinical testing. Allele origin: germline. Affected: no.

GeneDx
Classification: Benign. Last evaluated: 2020-01-11. Review status: criteria provided, single submitter. Criteria: GeneDx Variant Classification Process June 2021. Collection method: clinical testing. Allele origin: germline. Affected: yes.

Illumina Laboratory Services, Illumina
Classification: Benign for Hereditary xanthinuria type 1. Last evaluated: 2018-01-13. Review status: criteria provided, single submitter. Criteria: ICSL Variant Classification Criteria 13 December 2019. Collection method: clinical testing. Allele origin: germline.
Comment: This variant was observed in the ICSL laboratory as part of a predisposition screen in an ostensibly healthy population. It had not been previously curated by ICSL or reported in the Human Gene Mutation Database (HGMD: prior to June 1st, 2018), and was therefore a candidate for classification through an automated scoring system. Utilizing variant allele frequency, disease prevalence and penetrance estimates, and inheritance mode, an automated score was calculated to assess if this variant is too frequent to cause the disease. Based on the score and internal cut-off values, a variant classified as benign is not then subjected to further curation. The score for this variant resulted in a classification of benign for this disease.

Breakthrough Genomics
Classification: Benign. Review status: criteria provided, single submitter. Criteria: ACMG Guidelines, 2015. Collection method: not provided. Allele origin: germline. Inheritance: Autosomal recessive inheritance. Affected: yes.